The following is an entry in ClinVar:

ClinVar aggregate classification (germline): Uncertain significance (1 of 4 stars; one submission).

Conditions:
Short-rib thoracic dysplasia 7 with or without polydactyly (SRTD7). Also called: Short rib polydactyly syndrome 5; SHORT-RIB THORACIC DYSPLASIA 7 WITH POLYDACTYLY. Identifiers: Orphanet 498497, Orphanet 93271, MedGen C3279792, MONDO:0013569, OMIM 614091.
Cranioectodermal dysplasia 2 (CED2). Identifiers: Orphanet 1515, MedGen C3150874, MONDO:0013323, OMIM 613610.

Allele frequency attached by ClinVar (database versions not stated): gnomAD exomes below 0.00001; ExAC 0.00001; gnomAD 0.00001; TOPMed 0.00001.
gnomAD v4.1: 8 of 1,614,034 alleles (0.0005%); highest among the groups gnomAD compares: Non-Finnish European, 0.00034%; no homozygotes.

Submission:

Labcorp Genetics (formerly Invitae), Labcorp
Classification: Uncertain significance for Cranioectodermal dysplasia 2; Short-rib thoracic dysplasia 7 with or without polydactyly. Last evaluated: 2022-07-26. Review status: criteria provided, single submitter. Criteria: Invitae Variant Classification Sherloc (09022015). Collection method: clinical testing. Allele origin: germline.
Comment: In summary, the available evidence is currently insufficient to determine the role of this variant in disease. Therefore, it has been classified as a Variant of Uncertain Significance. Algorithms developed to predict the effect of missense changes on protein structure and function are either unavailable or do not agree on the potential impact of this missense change (SIFT: "Deleterious"; PolyPhen-2: "Probably Damaging"; Align-GVGD: "Class C0"). This variant has not been reported in the literature in individuals affected with WDR35-related conditions. This variant is present in population databases (rs760064395, gnomAD 0.004%). This sequence change replaces cysteine, which is neutral and slightly polar, with arginine, which is basic and polar, at codon 1158 of the WDR35 protein (p.Cys1158Arg).

NM_020779.4(WDR35):c.3439T>C (p.Cys1147Arg)

Gene: WDR35 (WD repeat domain 35; minus strand). Cytogenetic location: 2p24.1.
Variant type: single nucleotide variant.
Coding change: c.3439T>C on transcript NM_020779.4 (MANE Select); coding-DNA position 3439, T replaced by C.
Protein change: p.Cys1147Arg; replaces cysteine 1147 with arginine.
Molecular consequence: missense variant.
Genome position (GRCh38, 1-based): chr2:19,913,632, A>G on the plus strand (T>C on the coding strand, the complement: WDR35 is on the minus strand). VCF-style: chr2-19913632-A-G. GRCh37 (hg19) VCF-style: chr2-20113393-A-G.
Other names: c.3472T>C, p.Cys1158Arg (NM_001006657.2); short protein forms C1158R, C1147R.
Identifiers: ClinVar variation 2068487 (VCV002068487.3), dbSNP rs760064395, ClinGen allele CA1542660.
Genomic context (GRCh38, chr2:19,913,632, plus strand): 5'-TATGGCATAAGGGGCAGAAGCTGTAGTGGCTTATTTCCTGAGCAAGGACACCGTGTTTGC[A>G]TACACTGCACATCCAGAATTGATACTCAGTGATTGGGCTTCCTGTGGCAACGCATGTTGG-3'
Protein context (NP_065830.2, residues 1137-1157): TEYQFWMCSV[Cys1147Arg]KHGVLAQEIS